The following is an entry in ClinVar:

ClinVar aggregate classification (germline): Uncertain significance. Review status: criteria provided, multiple submitters, no conflicts (2 of 4 stars). 2 submissions from 2 submitters: Uncertain significance (2). Last evaluated 2024-03-20.

Allele frequency attached by ClinVar (database versions not stated): ExAC 0.00002; gnomAD 0.00003; gnomAD exomes 0.00004; TOPMed 0.00004; ESP Exome Variant Server 0.00008.
gnomAD v4.1: 57 of 1,608,272 alleles (0.0035%); highest among the groups gnomAD compares: Admixed American, 0.018%; no homozygotes.

Submissions (2):

GeneDx
Classification: Uncertain significance. Last evaluated: 2024-03-20. Review status: criteria provided, single submitter. Criteria: GeneDx Variant Classification Process June 2021. Collection method: clinical testing. Allele origin: germline. Affected: yes.
Comment: In silico analysis supports that this missense variant has a deleterious effect on protein structure/function; Observed in two patients with autism in published literature, however additional clinical information was not provided (PMID: 28191889); This variant is associated with the following publications: (PMID: 28191889)

Labcorp Genetics (formerly Invitae), Labcorp
Classification: Uncertain significance. Last evaluated: 2022-04-04. Review status: criteria provided, single submitter. Criteria: Invitae Variant Classification Sherloc (09022015). Collection method: clinical testing. Allele origin: germline.
Comment: This sequence change replaces arginine, which is basic and polar, with cysteine, which is neutral and slightly polar, at codon 414 of the LAMC3 protein (p.Arg414Cys). This variant is present in population databases (rs369239562, gnomAD 0.01%). This variant has not been reported in the literature in individuals affected with LAMC3-related conditions. Algorithms developed to predict the effect of missense changes on protein structure and function (SIFT, PolyPhen-2, Align-GVGD) all suggest that this variant is likely to be disruptive. In summary, the available evidence is currently insufficient to determine the role of this variant in disease. Therefore, it has been classified as a Variant of Uncertain Significance.

NM_006059.4(LAMC3):c.1240C>T (p.Arg414Cys)

Gene: LAMC3 (laminin subunit gamma 3; plus strand). Cytogenetic location: 9q34.12.
Variant type: single nucleotide variant.
Coding change: c.1240C>T on transcript NM_006059.4 (MANE Select); coding-DNA position 1240, C replaced by T.
Protein change: p.Arg414Cys; replaces arginine 414 with cysteine.
Molecular consequence: missense variant.
Genome position (GRCh38, 1-based): chr9:131,039,205, C>T. VCF-style: chr9-131039205-C-T. GRCh37 (hg19) VCF-style: chr9-133914592-C-T.
Other names: c.1240C>T (NM_006059.3); short protein forms R414C.
Identifiers: ClinVar variation 2060295 (VCV002060295.4), dbSNP rs369239562, ClinGen allele CA5286996.